The following is an entry in ClinVar:

ClinVar aggregate classification (germline): Benign/Likely benign. Review status: criteria provided, multiple submitters, no conflicts (2 of 4 stars). 5 submissions from 5 submitters: Benign (3); Likely benign (1). 1 of the submissions does not count toward it. Last evaluated 2026-04-06.

Conditions:
Congenital neutropenia-myelofibrosis-nephromegaly syndrome. Also called: Severe congenital neutropenia 5, autosomal recessive. Identifiers: Orphanet 369852, MedGen C3809031, MONDO:0014118, OMIM 615285.

Allele frequency attached by ClinVar (database versions not stated): gnomAD exomes 0.00056 and 0.00141; ExAC 0.00162; ESP Exome Variant Server 0.00446; gnomAD 0.00463 and 0.00487; TOPMed 0.00522; 1000 Genomes Project 0.00559; 1000 Genomes Project 30x 0.00671.
gnomAD v4.1: 1,548 of 1,612,746 alleles (0.096%); highest among the groups gnomAD compares: African/African-American, 1.6%; 10 homozygotes.

Submissions (5):

Women's Health and Genetics/Laboratory Corporation of America, LabCorp
Classification: Benign. Last evaluated: 2026-04-06. Review status: criteria provided, single submitter. Criteria: LabCorp Variant Classification Summary - May 2015. Collection method: clinical testing. Allele origin: germline.

Labcorp Genetics (formerly Invitae), Labcorp
Classification: Benign for Congenital neutropenia-myelofibrosis-nephromegaly syndrome. Last evaluated: 2026-02-02. Review status: criteria provided, single submitter. Criteria: Invitae Variant Classification Sherloc (09022015). Collection method: clinical testing. Allele origin: germline.

Blueprint Genetics
Classification: Benign. Last evaluated: 2024-11-26. Review status: criteria provided, single submitter. Criteria: ACMG Guidelines, 2015. Collection method: clinical testing. Allele origin: germline.

Mayo Clinic Laboratories, Mayo Clinic
Classification: Likely benign. Last evaluated: 2024-07-16. Review status: criteria provided, single submitter. Criteria: ACMG Guidelines, 2015. Collection method: clinical testing. Allele origin: germline. Observed: 4 variant alleles.
Comment: BS1, BP4, BP7

Natera, Inc.
Classification: Benign for Autosomal recessive severe congenital neutropenia 5. Last evaluated: 2020-09-16. Review status: no assertion criteria provided. Collection method: clinical testing. Allele origin: germline. Not counted in ClinVar's aggregate classification.

NM_007259.5(VPS45):c.570C>T (p.Cys190=)

Gene: VPS45 (vacuolar protein sorting 45 homolog; plus strand). Cytogenetic location: 1q21.2.
Variant type: single nucleotide variant.
Coding change: c.570C>T on transcript NM_007259.5 (MANE Select); coding-DNA position 570, C replaced by T.
Protein change: p.Cys190=; no amino-acid change (cysteine 190 retained).
Molecular consequence: synonymous variant. On other transcripts: intron variant (1).
Genome position (GRCh38, 1-based): chr1:150,077,225, C>T. VCF-style: chr1-150077225-C-T. GRCh37 (hg19) VCF-style: chr1-150049303-C-T.
Other names: p.Cys190=; c.570C>T, p.Cys190= (LRG_1170t1); c.462C>T, p.Cys154= (NM_001279354.2); c.262-444C>T (NM_001279353.2).
Identifiers: ClinVar variation 541275 (VCV000541275.16), dbSNP rs114087868, ClinGen allele CA1073162.